The following is an entry in ClinVar:

NM_004820.5(CYP7B1):c.*49C>T

Gene: CYP7B1 (cytochrome P450 family 7 subfamily B member 1; minus strand). Cytogenetic location: 8q12.3.
Variant type: single nucleotide variant.
Coding change: c.*49C>T on transcript NM_004820.5 (MANE Select); 49 bases downstream of the stop codon, C replaced by T.
Molecular consequence: 3 prime UTR variant. On other transcripts: intron variant (1).
Genome position (GRCh38, 1-based): chr8:64,596,593, G>A on the plus strand (C>T on the coding strand, the complement: CYP7B1 is on the minus strand). VCF-style: chr8-64596593-G-A. GRCh37 (hg19) VCF-style: chr8-65509150-G-A.
Other names: c.1234-6749C>T (NM_001324112.2).
Identifiers: ClinVar variation 908301 (VCV000908301.7), dbSNP rs8192907, ClinGen allele CA4763966.

ClinVar aggregate classification (germline): Benign/Likely benign. Review status: criteria provided, multiple submitters, no conflicts (2 of 4 stars). 3 submissions from 3 submitters: Benign (1); Likely benign (2). Last evaluated 2019-02-09.

Conditions:
Hereditary spastic paraplegia 5A (SPG5A). Also called: SPASTIC PARAPLEGIA 5A, AUTOSOMAL RECESSIVE. Identifiers: Orphanet 100986, MedGen C1849115, MONDO:0010047, OMIM 270800.

Allele frequency attached by ClinVar (database versions not stated): gnomAD 0.00108 and 0.00202; gnomAD exomes 0.00191 and 0.00556; TOPMed 0.00227; ExAC 0.00564; 1000 Genomes Project 0.01118; 1000 Genomes Project 30x 0.01156.
gnomAD v4.1: 2,907 of 1,517,454 alleles (0.19%); highest among the groups gnomAD compares: East Asian, 1.9%; 39 homozygotes.

Submissions (3):

GeneDx
Classification: Likely benign. Last evaluated: 2019-02-09. Review status: criteria provided, single submitter. Criteria: GeneDx Variant Classification Process June 2021. Collection method: clinical testing. Allele origin: germline. Affected: yes.

Illumina Laboratory Services, Illumina
Classification: Benign for Hereditary spastic paraplegia 5A. Last evaluated: 2017-04-27. Review status: criteria provided, single submitter. Criteria: ICSL Variant Classification Criteria 13 December 2019. Collection method: clinical testing. Allele origin: germline.
Comment: This variant was observed as part of a predisposition screen in an ostensibly healthy population. A literature search was performed for the gene, cDNA change, and amino acid change (where applicable). No publications were found based on this search. Allele frequency data from public databases was too high to be consistent with this variant causing disease. Therefore, this variant is classified as benign.

Breakthrough Genomics
Classification: Likely benign. Review status: criteria provided, single submitter. Criteria: ACMG Guidelines, 2015. Collection method: not provided. Allele origin: germline. Inheritance: Autosomal recessive inheritance. Affected: yes.